The following is an entry in ClinVar:

NM_001360.3(DHCR7):c.950T>G (p.Leu317Arg)

Gene: DHCR7 (7-dehydrocholesterol reductase; minus strand). Cytogenetic location: 11q13.4.
Variant type: single nucleotide variant.
Coding change: c.950T>G on transcript NM_001360.3 (MANE Select); coding-DNA position 950, T replaced by G.
Protein change: p.Leu317Arg; replaces leucine 317 with arginine.
Molecular consequence: missense variant.
Genome position (GRCh38, 1-based): chr11:71,437,825, A>C on the plus strand (T>G on the coding strand, the complement: DHCR7 is on the minus strand). VCF-style: chr11-71437825-A-C. GRCh37 (hg19) VCF-style: chr11-71148871-A-C.
Other names: c.950T>G, p.Leu317Arg (NM_001163817.2); short protein forms L317R.
Identifiers: ClinVar variation 3335989 (VCV003335989.1).

ClinVar aggregate classification (germline): Uncertain significance (1 of 4 stars; one submission).

Submission:

Women's Health and Genetics/Laboratory Corporation of America, LabCorp
Classification: Uncertain significance. Last evaluated: 2024-05-13. Review status: criteria provided, single submitter. Criteria: LabCorp Variant Classification Summary - May 2015. Collection method: clinical testing. Allele origin: germline.
Comment: Variant summary: DHCR7 c.950T>G (p.Leu317Arg) results in a non-conservative amino acid change in the encoded protein sequence. Five of five in-silico tools predict a damaging effect of the variant on protein function. The variant was absent in 251246 control chromosomes (gnomAD). The available data on variant occurrences in the general population are insufficient to allow any conclusion about variant significance. c.950T>G has been reported in the literature in at least one individual affected with Smith-Lemli-Opitz Syndrome (example: Scalco_2005). These data do not allow any conclusion about variant significance. To our knowledge, no experimental evidence demonstrating an impact on protein function has been reported. The following publication has been ascertained in the context of this evaluation (PMID: 15952211). No submitters have cited clinical-significance assessments for this variant to ClinVar. Based on the evidence outlined above, the variant was classified as uncertain significance.

Literature cited by the submitters: PubMed 15952211.